The following is an entry in ClinVar:

ClinVar aggregate classification (germline): Uncertain significance (1 of 4 stars; one submission).

Submission:

GeneDx
Classification: Uncertain significance. Last evaluated: 2022-06-01. Review status: criteria provided, single submitter. Criteria: GeneDx Variant Classification Process June 2021. Collection method: clinical testing. Allele origin: germline. Affected: yes.
Comment: Not observed at significant frequency in large population cohorts (gnomAD); In silico analysis supports that this missense variant has a deleterious effect on protein structure/function; Has not been previously published as pathogenic or benign to our knowledge

NM_003024.3(ITSN1):c.398C>A (p.Pro133Gln)

Gene: ITSN1 (intersectin 1; plus strand). Cytogenetic location: 21q22.11.
Variant type: single nucleotide variant.
Coding change: c.398C>A on transcript NM_003024.3 (MANE Select); coding-DNA position 398, C replaced by A.
Protein change: p.Pro133Gln; replaces proline 133 with glutamine.
Molecular consequence: missense variant. On other transcripts: intron variant (1).
Genome position (GRCh38, 1-based): chr21:33,750,194, C>A. VCF-style: chr21-33750194-C-A. GRCh37 (hg19) VCF-style: chr21-35122499-C-A.
Other names: c.398C>A, p.Pro133Gln (NM_001001132.2, NM_001331008.2, NM_001331009.2 and 2 more transcripts); c.347-60C>A (NM_001331012.2); short protein forms P133Q.
Identifiers: ClinVar variation 1801885 (VCV001801885.1), dbSNP rs2067455620, ClinGen allele CA410194638.